The following is an entry in ClinVar:

ClinVar aggregate classification (germline): Uncertain significance. Review status: criteria provided, multiple submitters, no conflicts (2 of 4 stars). 2 submissions from 2 submitters: Uncertain significance (2). Last evaluated 2025-07-07.

Conditions:
Charcot-Marie-Tooth disease type 2. Also called: Charcot-Marie-Tooth type 2. Identifiers: Orphanet 64746, MedGen C0270914, MONDO:0018993.

Allele frequency attached by ClinVar (database versions not stated): gnomAD exomes below 0.00001.

Submissions (2):

Labcorp Genetics (formerly Invitae), Labcorp
Classification: Uncertain significance for Charcot-Marie-Tooth disease type 2. Last evaluated: 2025-07-07. Review status: criteria provided, single submitter. Criteria: Invitae Variant Classification Sherloc (09022015). Collection method: clinical testing. Allele origin: germline.
Comment: This sequence change replaces aspartic acid, which is acidic and polar, with asparagine, which is neutral and polar, at codon 1601 of the KIF1B protein (p.Asp1601Asn). This variant is not present in population databases (gnomAD no frequency). This variant has not been reported in the literature in individuals affected with KIF1B-related conditions. ClinVar contains an entry for this variant (Variation ID: 1450277). An algorithm developed to predict the effect of missense changes on protein structure and function (PolyPhen-2) suggests that this variant is likely to be tolerated. In summary, the available evidence is currently insufficient to determine the role of this variant in disease. Therefore, it has been classified as a Variant of Uncertain Significance.

Ambry Genetics
Classification: Uncertain significance. Last evaluated: 2024-01-17. Review status: criteria provided, single submitter. Criteria: Ambry Variant Classification Scheme 2023. Collection method: clinical testing. Allele origin: germline.
Comment: The p.D1601N variant (also known as c.4801G>A), located in coding exon 42 of the KIF1B gene, results from a G to A substitution at nucleotide position 4801. The aspartic acid at codon 1601 is replaced by asparagine, an amino acid with highly similar properties. This amino acid position is conserved. In addition, this alteration is predicted to be tolerated by in silico analysis. Based on the available evidence, the clinical significance of this alteration remains unclear.

NM_001365951.3(KIF1B):c.4939G>A (p.Asp1647Asn)

Gene: KIF1B (kinesin family member 1B; plus strand). Cytogenetic location: 1p36.22.
Variant type: single nucleotide variant.
Coding change: c.4939G>A on transcript NM_001365951.3 (MANE Select); coding-DNA position 4939, G replaced by A.
Protein change: p.Asp1647Asn; replaces aspartic acid 1647 with asparagine.
Molecular consequence: missense variant.
Genome position (GRCh38, 1-based): chr1:10,371,255, G>A. VCF-style: chr1-10371255-G-A. GRCh37 (hg19) VCF-style: chr1-10431313-G-A.
Other names: c.4939G>A, p.Asp1647Asn (NM_001365952.1); c.4801G>A, p.Asp1601Asn (NM_015074.3); short protein forms D1647N, D1601N.
Identifiers: ClinVar variation 1450277 (VCV001450277.7), dbSNP rs2102358247, ClinGen allele CA338327935.